The following is an entry in ClinVar:

NM_002838.5(PTPRC):c.1171+3G>A

Gene: PTPRC (protein tyrosine phosphatase receptor type C; plus strand). Cytogenetic location: 1q32.1.
Variant type: single nucleotide variant.
Coding change: c.1171+3G>A on transcript NM_002838.5 (MANE Select); 3 bases into the intron after coding-DNA position 1171, G replaced by A.
Molecular consequence: intron variant.
Genome position (GRCh38, 1-based): chr1:198,709,827, G>A. VCF-style: chr1-198709827-G-A. GRCh37 (hg19) VCF-style: chr1-198678956-G-A.
Other names: c.688+3G>A (NM_080921.4).
Identifiers: ClinVar variation 2046233 (VCV002046233.1), dbSNP rs1391979301, ClinGen allele CA528298374.

ClinVar aggregate classification (germline): Uncertain significance (1 of 4 stars; one submission).

Conditions:
Immunodeficiency 104. Also called: IMMUNODEFICIENCY 104, SEVERE COMBINED; SCID, AUTOSOMAL RECESSIVE, T CELL-NEGATIVE, B CELL-POSITIVE, NK CELL-POSITIVE; Severe combined immunodeficiency, autosomal recessive, T cell-negative, B cell-positive, NK cell-positive; Severe Combined Immune Deficiency, Autosomal Recessive, TCell -Negative, B Cell-Positive, NK Cell-Positive, IL7R-Related. Identifiers: MedGen C5676890, MONDO:0012163, OMIM 608971.

gnomAD v4.1: 1 of 1,610,900 alleles (0.000062%); highest among the groups gnomAD compares: Non-Finnish European, 0.000085%; no homozygotes.

Submission:

Labcorp Genetics (formerly Invitae), Labcorp
Classification: Uncertain significance for Immunodeficiency 104. Last evaluated: 2022-07-30. Review status: criteria provided, single submitter. Criteria: Invitae Variant Classification Sherloc (09022015). Collection method: clinical testing. Allele origin: germline.
Comment: This sequence change falls in intron 11 of the PTPRC gene. It does not directly change the encoded amino acid sequence of the PTPRC protein. It affects a nucleotide within the consensus splice site. This variant is present in population databases (no rsID available, gnomAD 0.0009%). This variant has not been reported in the literature in individuals affected with PTPRC-related conditions. Variants that disrupt the consensus splice site are a relatively common cause of aberrant splicing (PMID: 17576681, 9536098). Algorithms developed to predict the effect of sequence changes on RNA splicing suggest that this variant is not likely to affect RNA splicing. In summary, the available evidence is currently insufficient to determine the role of this variant in disease. Therefore, it has been classified as a Variant of Uncertain Significance.

Literature cited by the submitters: PubMed 17576681; PubMed 9536098.